The following is an entry in ClinVar:

ClinVar aggregate classification (germline): Conflicting classifications of pathogenicity. Review status: criteria provided, conflicting classifications (1 of 4 stars). 4 submissions from 4 submitters: Uncertain significance (1); Likely benign (3). Last evaluated 2026-06-04.

Conditions:
PLEC-related disorder. Also called: PLEC-related disorders; PLEC-related condition.
Epidermolysis bullosa simplex with nail dystrophy (EBS5D). Identifiers: MedGen C4225309, MONDO:0014661, OMIM 616487.
Epidermolysis bullosa simplex, Ogna type (EBS5A). Also called: Pidermolysis bullosa simplex 5A, Ogna type; EPIDERMOLYSIS BULLOSA SIMPLEX 5A, OGNA TYPE. Identifiers: Orphanet 79401, MedGen C0432317, MONDO:0007555, OMIM 131950.
Epidermolysis bullosa simplex 5C, with pyloric atresia (EBS5C). Also called: PLEC1-Related Epidermolysis Bullosa with Pyloric Atresia; PLEC-Related Epidermolysis Bullosa with Pyloric Atresia; Epidermolysis bullosa simplex with pyloric atresia. Identifiers: Orphanet 158684, MedGen C2677349, MONDO:0012807, OMIM 612138.
Epidermolysis bullosa simplex 5B, with muscular dystrophy (EBS5B). Also called: Epidermolysis bullosa simplex with muscular dystrophy; EPIDERMOLYSIS BULLOSA SIMPLEX AND LIMB-GIRDLE MUSCULAR DYSTROPHY. Identifiers: Orphanet 257, MedGen C2931072, MONDO:0009181, OMIM 226670.
Autosomal recessive limb-girdle muscular dystrophy type 2Q (LGMDR17). Also called: MUSCULAR DYSTROPHY, LIMB-GIRDLE, AUTOSOMAL RECESSIVE 17. Identifiers: Orphanet 254361, MedGen C3150989, MONDO:0013390, OMIM 613723.

Allele frequency attached by ClinVar (database versions not stated): ExAC 0.00019; gnomAD exomes 0.00005 and 0.00008; gnomAD 0.00006 and 0.00007; TOPMed 0.00009; ESP Exome Variant Server 0.00017.
gnomAD v4.1: 90 of 1,591,842 alleles (0.0057%); highest among the groups gnomAD compares: Middle Eastern, 0.05%; no homozygotes.

Submissions (4):

PreventionGenetics, part of Exact Sciences
Classification: Likely benign for PLEC-related condition. Last evaluated: 2026-06-04. Review status: criteria provided, single submitter. Criteria: ACMG Guidelines, 2015. Collection method: clinical testing. Allele origin: germline.
Comment: This variant is classified as likely benign based on ACMG/AMP sequence variant interpretation guidelines (Richards et al. 2015 PMID: 25741868, with internal and published modifications).

Labcorp Genetics (formerly Invitae), Labcorp
Classification: Likely benign for Autosomal recessive limb-girdle muscular dystrophy type 2Q; Epidermolysis bullosa simplex, Ogna type; Epidermolysis bullosa simplex with nail dystrophy; Epidermolysis bullosa simplex 5C, with pyloric atresia; Epidermolysis bullosa simplex 5B, with muscular dystrophy. Last evaluated: 2025-07-24. Review status: criteria provided, single submitter. Criteria: Invitae Variant Classification Sherloc (09022015). Collection method: clinical testing. Allele origin: germline.

CeGaT Center for Human Genetics Tuebingen
Classification: Likely benign. Last evaluated: 2023-01-01. Review status: criteria provided, single submitter. Criteria: CeGaT Center For Human Genetics Tuebingen Variant Classification Criteria Version 2. Collection method: clinical testing. Allele origin: germline. Affected: yes. Observed: 1 variant allele.
Comment: PLEC: BP4, BP7

Eurofins Ntd Llc (ga)
Classification: Uncertain significance. Last evaluated: 2018-03-01. Review status: criteria provided, single submitter. Criteria: EGL ClinVar v180209 classification definitions. Collection method: clinical testing. Allele origin: germline. Observed: 2 variant alleles, 2 heterozygotes.

NM_201384.3(PLEC):c.3369G>A (p.Pro1123=)

Gene: PLEC (plectin; minus strand). Cytogenetic location: 8q24.3.
Variant type: single nucleotide variant.
Coding change: c.3369G>A on transcript NM_201384.3 (MANE Select); coding-DNA position 3369, G replaced by A.
Protein change: p.Pro1123=; no amino-acid change (proline 1123 retained).
Molecular consequence: synonymous variant.
Genome position (GRCh38, 1-based): chr8:143,927,884, C>T on the plus strand (G>A on the coding strand, the complement: PLEC is on the minus strand). VCF-style: chr8-143927884-C-T. GRCh37 (hg19) VCF-style: chr8-145002052-C-T.
Other names: c.3450G>A, p.Pro1150= (NM_000445.5); c.3327G>A, p.Pro1109= (NM_201378.4); c.3303G>A, p.Pro1101= (NM_201379.3); c.3780G>A, p.Pro1260= (NM_201380.4); c.3273G>A, p.Pro1091= (NM_201381.3); c.3369G>A, p.Pro1123= (NM_201382.4); c.3381G>A, p.Pro1127= (NM_201383.3).
Identifiers: ClinVar variation 592959 (VCV000592959.43), dbSNP rs371882486, ClinGen allele CA4927107.
Genomic context (GRCh38, chr8:143,927,884, plus strand): 5'-CGCCATGAAGCCCAAGCCTCGAAACGATACCTTCAGAGAGGCCTTGGTGGCCTCGAGCTC[C>T]GGGAGGGTGGCCGGCACGGCCTGGGCCTCCTTGAGCTGCTCCTCGTGGGCCCTGAGCACC-3'
Protein context (NP_958786.1, residues 1113-1133): KEAQAVPATL[Pro1123=]ELEATKASLK